The following is an entry in ClinVar:

ClinVar aggregate classification (germline): Uncertain significance (1 of 4 stars; one submission).

Conditions:
RYR1-related disorder. Also called: RYR1-related condition; RYR1-related disorders. Identifiers: MedGen CN239331.

Submission:

Labcorp Genetics (formerly Invitae), Labcorp
Classification: Uncertain significance for RYR1-related disorder. Last evaluated: 2017-08-09. Review status: criteria provided, single submitter. Criteria: Invitae Variant Classification Sherloc (09022015). Collection method: clinical testing. Allele origin: germline.
Comment: In summary, the available evidence is currently insufficient to determine the role of this variant in disease. Therefore, it has been classified as a Variant of Uncertain Significance. Algorithms developed to predict the effect of missense changes on protein structure and function do not agree on the potential impact of this missense change (SIFT: "Deleterious"; PolyPhen-2: "Benign"; Align-GVGD: "Class C0"). This variant has not been reported in the literature in individuals with RYR1-related disease. This variant is not present in population databases (ExAC no frequency). This sequence change replaces threonine with alanine at codon 2848 of the RYR1 protein (p.Thr2848Ala). The threonine residue is highly conserved and there is a small physicochemical difference between threonine and alanine.

NM_000540.3(RYR1):c.8542A>G (p.Thr2848Ala)

Genes: RYR1 (ryanodine receptor 1; plus strand), LOC126862902 (BRD4-independent group 4 enhancer GRCh37_chr19:38995830-38997029; plus strand). Cytogenetic location: 19q13.2.
Variant type: single nucleotide variant.
Coding change: c.8542A>G on transcript NM_000540.3 (MANE Select); coding-DNA position 8542, A replaced by G.
Protein change: p.Thr2848Ala; replaces threonine 2848 with alanine.
Molecular consequence: missense variant.
Genome position (GRCh38, 1-based): chr19:38,506,303, A>G. VCF-style: chr19-38506303-A-G. GRCh37 (hg19) VCF-style: chr19-38996943-A-G.
Other names: c.8542A>G, p.Thr2848Ala (NM_001042723.2); short protein forms T2848A.
Identifiers: ClinVar variation 544408 (VCV000544408.9), dbSNP rs1555785712, ClinGen allele CA405679158.